The following is an entry in ClinVar:

NM_004984.4(KIF5A):c.*8C>T

Gene: KIF5A (kinesin family member 5A; plus strand). Cytogenetic location: 12q13.3.
Variant type: single nucleotide variant.
Coding change: c.*8C>T on transcript NM_004984.4 (MANE Select); 8 bases downstream of the stop codon, C replaced by T.
Molecular consequence: 3 prime UTR variant.
Genome position (GRCh38, 1-based): chr12:57,583,187, C>T. VCF-style: chr12-57583187-C-T. GRCh37 (hg19) VCF-style: chr12-57976970-C-T.
Other names: c.*8C>T (NM_001354705.2).
Identifiers: ClinVar variation 4683760 (VCV004683760.1).

ClinVar aggregate classification (germline): Likely benign (1 of 4 stars; one submission).

gnomAD v4.1: 29 of 1,612,638 alleles (0.0018%); highest among the groups gnomAD compares: East Asian, 0.058%; no homozygotes.

Submission:

Mayo Clinic Laboratories, Mayo Clinic
Classification: Likely benign. Last evaluated: 2025-02-05. Review status: criteria provided, single submitter. Criteria: ACMG Guidelines, 2015. Collection method: clinical testing. Allele origin: germline. Observed: 1 variant allele.
Comment: BS1, BP4, BP7